The following is an entry in ClinVar:

ClinVar aggregate classification (germline): Uncertain significance. Review status: criteria provided, multiple submitters, no conflicts (2 of 4 stars). 2 submissions from 2 submitters: Uncertain significance (2). Last evaluated 2024-10-22.

Allele frequency attached by ClinVar (database versions not stated): gnomAD 0.00003 and 0.00004; TOPMed 0.00003; ExAC 0.00004; ESP Exome Variant Server 0.00008.
gnomAD v4.1: 96 of 1,613,914 alleles (0.0059%); highest among the groups gnomAD compares: Non-Finnish European, 0.0073%; no homozygotes.

Submissions (2):

Labcorp Genetics (formerly Invitae), Labcorp
Classification: Uncertain significance. Last evaluated: 2024-10-22. Review status: criteria provided, single submitter. Criteria: Invitae Variant Classification Sherloc (09022015). Collection method: clinical testing. Allele origin: germline.
Comment: This sequence change replaces arginine, which is basic and polar, with tryptophan, which is neutral and slightly polar, at codon 265 of the WHRN protein (p.Arg265Trp). This variant is present in population databases (rs373856120, gnomAD 0.01%). This variant has not been reported in the literature in individuals affected with WHRN-related conditions. ClinVar contains an entry for this variant (Variation ID: 1428305). An algorithm developed to predict the effect of missense changes on protein structure and function (PolyPhen-2) suggests that this variant is likely to be disruptive. In summary, the available evidence is currently insufficient to determine the role of this variant in disease. Therefore, it has been classified as a Variant of Uncertain Significance.

Blueprint Genetics
Classification: Uncertain significance. Last evaluated: 2023-12-15. Review status: criteria provided, single submitter. Criteria: ACMG Guidelines, 2015. Collection method: clinical testing. Allele origin: germline.

NM_015404.4(WHRN):c.793C>T (p.Arg265Trp)

Gene: WHRN (whirlin; minus strand). Cytogenetic location: 9q32.
Variant type: single nucleotide variant.
Coding change: c.793C>T on transcript NM_015404.4 (MANE Select); coding-DNA position 793, C replaced by T.
Protein change: p.Arg265Trp; replaces arginine 265 with tryptophan.
Molecular consequence: missense variant. On other transcripts: 5 prime UTR variant (1).
Genome position (GRCh38, 1-based): chr9:114,478,597, G>A on the plus strand (C>T on the coding strand, the complement: WHRN is on the minus strand). VCF-style: chr9-114478597-G-A. GRCh37 (hg19) VCF-style: chr9-117240877-G-A.
Other names: c.-357C>T (NM_001083885.3); c.793C>T, p.Arg265Trp (NM_001173425.2); short protein forms R265W.
Identifiers: ClinVar variation 1428305 (VCV001428305.7), dbSNP rs373856120, ClinGen allele CA5206197.